The following is an entry in ClinVar:

NM_024747.6(HPS6):c.1089G>T (p.Met363Ile)

Gene: HPS6 (HPS6 biogenesis of lysosomal organelles complex 2 subunit 3; plus strand). Cytogenetic location: 10q24.32.
Variant type: single nucleotide variant.
Coding change: c.1089G>T on transcript NM_024747.6 (MANE Select); coding-DNA position 1089, G replaced by T.
Protein change: p.Met363Ile; replaces methionine 363 with isoleucine.
Molecular consequence: missense variant.
Genome position (GRCh38, 1-based): chr10:102,066,563, G>T. VCF-style: chr10-102066563-G-T. GRCh37 (hg19) VCF-style: chr10-103826320-G-T.
Other names: short protein forms M363I.
Identifiers: ClinVar variation 1037575 (VCV001037575.6), dbSNP rs2067972084, ClinGen allele CA377864321.

ClinVar aggregate classification (germline): Uncertain significance (1 of 4 stars; one submission).

Allele frequency attached by ClinVar (database versions not stated): TOPMed below 0.00001.

Submission:

Labcorp Genetics (formerly Invitae), Labcorp
Classification: Uncertain significance. Last evaluated: 2022-10-18. Review status: criteria provided, single submitter. Criteria: Invitae Variant Classification Sherloc (09022015). Collection method: clinical testing. Allele origin: germline.
Comment: This sequence change replaces methionine, which is neutral and non-polar, with isoleucine, which is neutral and non-polar, at codon 363 of the HPS6 protein (p.Met363Ile). This variant is not present in population databases (gnomAD no frequency). This variant has not been reported in the literature in individuals affected with HPS6-related conditions. ClinVar contains an entry for this variant (Variation ID: 1037575). Advanced modeling of protein sequence and biophysical properties (such as structural, functional, and spatial information, amino acid conservation, physicochemical variation, residue mobility, and thermodynamic stability) performed at Invitae indicates that this missense variant is not expected to disrupt HPS6 protein function. In summary, the available evidence is currently insufficient to determine the role of this variant in disease. Therefore, it has been classified as a Variant of Uncertain Significance.